The following is an entry in ClinVar:

ClinVar aggregate classification (germline): Uncertain significance (1 of 4 stars; one submission).

Conditions:
IFT74-related disorder. Also called: IFT74-Related Disorders; IFT74-related condition.

gnomAD v4.1: 12 of 1,614,118 alleles (0.00074%); highest among the groups gnomAD compares: East Asian, 0.0022%; no homozygotes.

Submission:

PreventionGenetics, part of Exact Sciences
Classification: Uncertain significance for IFT74-related condition. Last evaluated: 2026-07-15. Review status: criteria provided, single submitter. Criteria: ACMG Guidelines, 2015. Collection method: clinical testing. Allele origin: germline.
Comment: The IFT74 c.31C>T variant is predicted to result in the amino acid substitution p.Arg11Cys. To our knowledge, this variant has not been reported in the literature. This variant is reported in 0.0051% of alleles in individuals of East Asian descent in gnomAD. At this time, the clinical significance of this variant is uncertain due to the absence of conclusive functional and genetic evidence.

NM_025103.4(IFT74):c.31C>T (p.Arg11Cys)

Gene: IFT74 (intraflagellar transport 74; plus strand). Cytogenetic location: 9p21.2.
Variant type: single nucleotide variant.
Coding change: c.31C>T on transcript NM_025103.4 (MANE Select); coding-DNA position 31, C replaced by T.
Protein change: p.Arg11Cys; replaces arginine 11 with cysteine.
Molecular consequence: missense variant.
Genome position (GRCh38, 1-based): chr9:26,961,998, C>T. VCF-style: chr9-26961998-C-T. GRCh37 (hg19) VCF-style: chr9-26961996-C-T.
Other names: c.31C>T, p.Arg11Cys (NM_001099222.3, NM_001099223.3, NM_001099224.3 and 1 more transcripts); short protein forms R11C.
Identifiers: ClinVar variation 4978182 (VCV004978182.1).
Genomic context (GRCh38, chr9:26,961,998, plus strand): 5'-TTTCCAAACAGCGATTAAAGTGAAGAAACAATGGCCAGCAATCACAAATCTTCAGCAGCT[C>T]GCCCTGTTTCAAGAGGTGGAGTTGGGTTAACAGGAAGGCCTCCTTCTGGGATACGACCCC-3'
Protein context (NP_079379.2, residues 1-21): MASNHKSSAA[Arg11Cys]PVSRGGVGLT